The following is an entry in ClinVar:

ClinVar aggregate classification (germline): Conflicting classifications of pathogenicity. Review status: criteria provided, conflicting classifications (1 of 4 stars). 2 submissions from 2 submitters: Uncertain significance (1); Likely benign (1). Last evaluated 2025-05-08.

Conditions:
Fanconi anemia (FA). Also called: Fanconi's anemia. Identifiers: Orphanet 84, MedGen C0015625, MeSH D005199, MONDO:0019391.

gnomAD v4.1: 2 of 1,614,022 alleles (0.00012%); highest among the groups gnomAD compares: Non-Finnish European, 0.000085%; no homozygotes.

Submissions (2):

Quest Diagnostics Nichols Institute San Juan Capistrano
Classification: Uncertain significance. Last evaluated: 2025-05-08. Review status: criteria provided, single submitter. Criteria: Quest Diagnostics criteria. Collection method: clinical testing. Allele origin: unknown.
Comment: The FANCA c.2383A>C (p.Arg795=) synonymous variant has not been reported in individuals with FANCA-related conditions in the published literature. It also has not been reported in large, multi-ethnic general populations (Genome Aggregation Database). Analysis of this variant using software algorithms for the prediction of the effect of nucleotide changes on splicing yielded predictions that this variant does not affect FANCA mRNA splicing. Based on the available information, we are unable to determine the clinical significance of this variant.

Labcorp Genetics (formerly Invitae), Labcorp
Classification: Likely benign for Fanconi anemia. Last evaluated: 2020-07-15. Review status: criteria provided, single submitter. Criteria: Invitae Variant Classification Sherloc (09022015). Collection method: clinical testing. Allele origin: germline.

NM_000135.4(FANCA):c.2383A>C (p.Arg795=)

Gene: FANCA (FA complementation group A; minus strand). Cytogenetic location: 16q24.3.
Variant type: single nucleotide variant.
Coding change: c.2383A>C on transcript NM_000135.4 (MANE Select); coding-DNA position 2383, A replaced by C.
Protein change: p.Arg795=; no amino-acid change (arginine 795 retained).
Molecular consequence: synonymous variant.
Genome position (GRCh38, 1-based): chr16:89,769,958, T>G on the plus strand (A>C on the coding strand, the complement: FANCA is on the minus strand). VCF-style: chr16-89769958-T-G. GRCh37 (hg19) VCF-style: chr16-89836366-T-G.
Other names: c.2383A>C, p.Arg795= (NM_001286167.3); c.2383A>C (NM_000135.3).
Identifiers: ClinVar variation 1151942 (VCV001151942.10), dbSNP rs767455904, ClinGen allele CA497379723.